The following is an entry in ClinVar:

NM_003383.5(VLDLR):c.24G>A (p.Ala8=)

Genes: VLDLR (very low density lipoprotein receptor; plus strand), VLDLR-AS1 (VLDLR antisense RNA 1; minus strand), LOC130001468 (ATAC-STARR-seq lymphoblastoid silent region 19733; plus strand). Cytogenetic location: 9p24.2.
Variant type: single nucleotide variant.
Coding change: c.24G>A on transcript NM_003383.5 (MANE Select); coding-DNA position 24, G replaced by A.
Protein change: p.Ala8=; no amino-acid change (alanine 8 retained).
Molecular consequence: synonymous variant. On other transcripts: non-coding transcript variant (1).
Genome position (GRCh38, 1-based): chr9:2,622,213, G>A. VCF-style: chr9-2622213-G-A. GRCh37 (hg19) VCF-style: chr9-2622213-G-A.
Other names: p.Ala8=; c.24G>A, p.Ala8= (NM_001018056.3, NM_001322225.2, NM_001322226.2).
Identifiers: ClinVar variation 130710 (VCV000130710.27), dbSNP rs34336270, ClinGen allele CA155925.

ClinVar aggregate classification (germline): Benign/Likely benign. Review status: criteria provided, multiple submitters, no conflicts (2 of 4 stars). 8 submissions from 8 submitters: Benign (5); Likely benign (1). 2 of the submissions do not count toward it. Last evaluated 2026-02-04.

Conditions:
VLDLR-related disorder. Also called: VLDLR-related condition.
Cerebellar ataxia, impaired intellectual development, and dysequilibrium syndrome 1. Also called: CEREBELLAR ATAXIA AND MENTAL RETARDATION WITH OR WITHOUT QUADRUPEDAL LOCOMOTION 1; CEREBELLAR ATAXIA, CONGENITAL, AND MENTAL RETARDATION, AUTOSOMAL RECESSIVE; VLDLR Cerebellar Hypoplasia; Cerebellar hypoplasia and mental retardation with or without quadrupedal locomotion 1; Cerebellar ataxia, intellectual disability, and dysequilibrium syndrome 1; Cerebellar ataxia, mental retardation, and dysequilibrium syndrome 1. Identifiers: Orphanet 1766, MedGen C4551552, MONDO:0024542, OMIM 224050.

Allele frequency attached by ClinVar (database versions not stated): gnomAD exomes 0.00362 and 0.00464; ExAC 0.00980; ESP Exome Variant Server 0.01822; gnomAD 0.02194 and 0.02372; 1000 Genomes Project 30x 0.02358; 1000 Genomes Project 0.02376; TOPMed 0.02490.
gnomAD v4.1: 8,391 of 1,503,678 alleles (0.56%); highest among the groups gnomAD compares: African/African-American, 7.1%; 194 homozygotes.

Submissions (8):

Labcorp Genetics (formerly Invitae), Labcorp
Classification: Benign. Last evaluated: 2026-02-04. Review status: criteria provided, single submitter. Criteria: Invitae Variant Classification Sherloc (09022015). Collection method: clinical testing. Allele origin: germline.

Mayo Clinic Laboratories, Mayo Clinic
Classification: Benign. Last evaluated: 2023-05-22. Review status: criteria provided, single submitter. Criteria: ACMG Guidelines, 2015. Collection method: clinical testing. Allele origin: germline. Observed: 21 variant alleles.

Illumina Laboratory Services, Illumina
Classification: Benign for Cerebellar ataxia, impaired intellectual development, and dysequilibrium syndrome 1. Last evaluated: 2018-01-12. Review status: criteria provided, single submitter. Criteria: ICSL Variant Classification Criteria 13 December 2019. Collection method: clinical testing. Allele origin: germline.
Comment: This variant was observed in the ICSL laboratory as part of a predisposition screen in an ostensibly healthy population. It had not been previously curated by ICSL or reported in the Human Gene Mutation Database (HGMD: prior to June 1st, 2018), and was therefore a candidate for classification through an automated scoring system. Utilizing variant allele frequency, disease prevalence and penetrance estimates, and inheritance mode, an automated score was calculated to assess if this variant is too frequent to cause the disease. Based on the score and internal cut-off values, a variant classified as benign is not then subjected to further curation. The score for this variant resulted in a classification of benign for this disease.

Eurofins Ntd Llc (ga)
Classification: Benign. Last evaluated: 2015-05-05. Review status: criteria provided, single submitter. Criteria: EGL Classification Definitions 2015. Collection method: clinical testing. Allele origin: germline. Observed: 1 variant allele, 1 heterozygote.

GeneDx
Classification: Benign. Last evaluated: 2015-03-03. Review status: criteria provided, single submitter. Criteria: GeneDx Variant Classification Process June 2021. Collection method: clinical testing. Allele origin: germline. Affected: yes.

Breakthrough Genomics
Classification: Likely benign. Review status: criteria provided, single submitter. Criteria: ACMG Guidelines, 2015. Collection method: not provided. Allele origin: germline. Inheritance: Autosomal recessive inheritance. Affected: yes.

PreventionGenetics, part of Exact Sciences
Classification: Benign for VLDLR-related condition. Last evaluated: 2019-06-26. Review status: no assertion criteria provided. Collection method: clinical testing. Allele origin: germline. Not counted in ClinVar's aggregate classification.
Comment: This variant is classified as benign based on ACMG/AMP sequence variant interpretation guidelines (Richards et al. 2015 PMID: 25741868, with internal and published modifications).

Genetic Services Laboratory, University of Chicago
Classification: Likely benign for AllHighlyPenetrant. Review status: no assertion criteria provided. Collection method: clinical testing. Allele origin: germline. Inheritance: Autosomal recessive inheritance. Not counted in ClinVar's aggregate classification.
Comment: Likely benign based on allele frequency in 1000 Genomes Project or ESP global frequency and its presence in a patient with a rare or unrelated disease phenotype. NOT Sanger confirmed.